The following is an entry in ClinVar:

ClinVar aggregate classification (germline): Uncertain significance (1 of 4 stars; one submission).

Conditions:
Autosomal dominant nocturnal frontal lobe epilepsy 5. Also called: KCNT1-Related Epilepsy; CILIARY DYSKINESIA, PRIMARY, 28, WITHOUT SITUS INVERSUS; CILIARY DYSKINESIA, PRIMARY, 28, WITH SITUS INVERSUS; Epilepsy, nocturnal frontal lobe, 5. Identifiers: Orphanet 98784, MedGen C3554306, MONDO:0014002, OMIM 615005.
Developmental and epileptic encephalopathy, 14 (DEE14). Also called: Early infantile epileptic encephalopathy 14. Identifiers: Orphanet 293181, MedGen C3554195, MONDO:0013989, OMIM 614959.

Submission:

Labcorp Genetics (formerly Invitae), Labcorp
Classification: Uncertain significance for Autosomal dominant nocturnal frontal lobe epilepsy 5; Developmental and epileptic encephalopathy, 14. Last evaluated: 2024-05-28. Review status: criteria provided, single submitter. Criteria: Invitae Variant Classification Sherloc (09022015). Collection method: clinical testing. Allele origin: germline.
Comment: This sequence change replaces glutamine, which is neutral and polar, with histidine, which is basic and polar, at codon 543 of the KCNT1 protein (p.Gln543His). This variant is not present in population databases (gnomAD no frequency). This variant has not been reported in the literature in individuals affected with KCNT1-related conditions. Advanced modeling of protein sequence and biophysical properties (such as structural, functional, and spatial information, amino acid conservation, physicochemical variation, residue mobility, and thermodynamic stability) performed at Invitae indicates that this missense variant is not expected to disrupt KCNT1 protein function with a negative predictive value of 80%. In summary, the available evidence is currently insufficient to determine the role of this variant in disease. Therefore, it has been classified as a Variant of Uncertain Significance.

NM_020822.3(KCNT1):c.1629G>T (p.Gln543His)

Gene: KCNT1 (potassium sodium-activated channel subfamily T member 1; plus strand). Cytogenetic location: 9q34.3.
Variant type: single nucleotide variant.
Coding change: c.1629G>T on transcript NM_020822.3 (MANE Select); coding-DNA position 1629, G replaced by T.
Protein change: p.Gln543His; replaces glutamine 543 with histidine.
Molecular consequence: missense variant.
Genome position (GRCh38, 1-based): chr9:135,770,307, G>T. VCF-style: chr9-135770307-G-T. GRCh37 (hg19) VCF-style: chr9-138662153-G-T.
Other names: c.1494G>T, p.Gln498His (NM_001272003.2); short protein forms Q498H, Q543H.
Identifiers: ClinVar variation 3761763 (VCV003761763.2).